The following is an entry in ClinVar:

ClinVar aggregate classification (germline): Likely pathogenic (1 of 4 stars; one submission).

Conditions:
Alstrom syndrome (ALMS). Identifiers: Orphanet 64, MedGen C0268425, MONDO:0008763, OMIM 203800.

Submission:

Natera, Inc.
Classification: Likely pathogenic for Alstrom syndrome. Last evaluated: 2025-11-13. Review status: criteria provided, single submitter. Criteria: Natera Variant Classification Schema (03/2026). Collection method: clinical testing. Allele origin: germline.
Comment: The c.7584C>G variant in ALMS1 is a nonsense variant predicted to introduce a stop codon at amino acid 2528. This variant is expected to result in nonsense mediated decay, truncation, or a dysfunctional protein product. This variant is rare in the general population with a frequency below the threshold expected for the associated phenotype(s). Given the available evidence, this variant is classified as Likely Pathogenic.

NM_001378454.1(ALMS1):c.7581C>G (p.Tyr2527Ter)

Gene: ALMS1 (ALMS1 centrosome and basal body associated protein; plus strand). Cytogenetic location: 2p13.1.
Variant type: single nucleotide variant.
Coding change: c.7581C>G on transcript NM_001378454.1 (MANE Select); coding-DNA position 7581, C replaced by G.
Protein change: p.Tyr2527Ter; replaces tyrosine 2527 with a stop codon.
Molecular consequence: nonsense.
Genome position (GRCh38, 1-based): chr2:73,455,202, C>G. VCF-style: chr2-73455202-C-G. GRCh37 (hg19) VCF-style: chr2-73682329-C-G.
Other names: c.7584C>G, p.Tyr2528Ter (NM_015120.4); short protein forms Y2527*, Y2528*.
Identifiers: ClinVar variation 4815801 (VCV004815801.1).